The following is an entry in ClinVar:

NM_005861.4(STUB1):c.870T>C (p.Ile290=)

Genes: JMJD8 (jumonji domain containing 8; minus strand), STUB1 (STIP1 homology and U-box containing protein 1; plus strand). Cytogenetic location: 16p13.3.
Variant type: single nucleotide variant.
Coding change: c.870T>C on transcript NM_005861.4 (MANE Select); coding-DNA position 870, T replaced by C.
Protein change: p.Ile290=; no amino-acid change (isoleucine 290 retained).
Molecular consequence: synonymous variant. On other transcripts: 3 prime UTR variant (5), non-coding transcript variant (3).
Genome position (GRCh38, 1-based): chr16:682,447, T>C. VCF-style: chr16-682447-T-C. GRCh37 (hg19) VCF-style: chr16-732447-T-C.
Other names: p.Ile290=; c.654T>C, p.Ile218= (NM_001293197.2); c.*347A>G (NM_001005920.4, NM_001323919.3, NM_001323920.3); c.*381A>G (NM_001323918.3, NM_001323922.3).
Identifiers: ClinVar variation 2417182 (VCV002417182.8), dbSNP rs779951307, ClinGen allele CA7786869.

ClinVar aggregate classification (germline): Likely benign. Review status: criteria provided, multiple submitters, no conflicts (2 of 4 stars). 2 submissions from 2 submitters: Likely benign (2). Last evaluated 2024-11-19.

Allele frequency attached by ClinVar (database versions not stated): gnomAD 0.00001; TOPMed 0.00001; ExAC 0.00002; gnomAD exomes 0.00009.
gnomAD v4.1: 125 of 1,613,344 alleles (0.0077%); highest among the groups gnomAD compares: Non-Finnish European, 0.01%; no homozygotes.

Submissions (2):

Mayo Clinic Laboratories, Mayo Clinic
Classification: Likely benign. Last evaluated: 2024-11-19. Review status: criteria provided, single submitter. Criteria: ACMG Guidelines, 2015. Collection method: clinical testing. Allele origin: germline. Observed: 1 variant allele.
Comment: BP4, BP7

Labcorp Genetics (formerly Invitae), Labcorp
Classification: Likely benign. Last evaluated: 2024-05-22. Review status: criteria provided, single submitter. Criteria: Invitae Variant Classification Sherloc (09022015). Collection method: clinical testing. Allele origin: germline.